The following is an entry in ClinVar:

NM_002907.4(RECQL):c.1654C>G (p.Gln552Glu)

Gene: RECQL (RecQ like helicase; minus strand). Cytogenetic location: 12p12.1.
Variant type: single nucleotide variant.
Coding change: c.1654C>G on transcript NM_002907.4 (MANE Select); coding-DNA position 1654, C replaced by G.
Protein change: p.Gln552Glu; replaces glutamine 552 with glutamic acid.
Molecular consequence: missense variant.
Genome position (GRCh38, 1-based): chr12:21,471,441, G>C on the plus strand (C>G on the coding strand, the complement: RECQL is on the minus strand). VCF-style: chr12-21471441-G-C. GRCh37 (hg19) VCF-style: chr12-21624375-G-C.
Other names: c.1654C>G, p.Gln552Glu (NM_032941.3); short protein forms Q552E.
Identifiers: ClinVar variation 2565589 (VCV002565589.4), dbSNP rs1942959589, ClinGen allele CA384115002.
Genomic context (GRCh38, chr12:21,471,441, plus strand): 5'-AAACCATAAAGACAACCTGAAAGAATAATGAATGAGTTTGTACATACTTAAGATACTGCT[G>C]TATTAGAAAGTGTGCAATAATCTTCTCCAGATCTTCACGAGGAAGTGTGGGAGCCACAAC-3'
Protein context (NP_002898.2, residues 542-562): LEKIIAHFLI[Gln552Glu]QYLKEDYSFT

ClinVar aggregate classification (germline): Uncertain significance. Review status: criteria provided, multiple submitters, no conflicts (2 of 4 stars). 2 submissions from 2 submitters: Uncertain significance (2). Last evaluated 2024-04-22.

Submissions (2):

Labcorp Genetics (formerly Invitae), Labcorp
Classification: Uncertain significance. Last evaluated: 2024-04-22. Review status: criteria provided, single submitter. Criteria: Invitae Variant Classification Sherloc (09022015). Collection method: clinical testing. Allele origin: germline.
Comment: This sequence change replaces glutamine, which is neutral and polar, with glutamic acid, which is acidic and polar, at codon 552 of the RECQL protein (p.Gln552Glu). This variant is not present in population databases (gnomAD no frequency). This variant has not been reported in the literature in individuals affected with RECQL-related conditions. ClinVar contains an entry for this variant (Variation ID: 2565589). Advanced modeling of protein sequence and biophysical properties (such as structural, functional, and spatial information, amino acid conservation, physicochemical variation, residue mobility, and thermodynamic stability) performed at Invitae indicates that this missense variant is not expected to disrupt RECQL protein function with a negative predictive value of 80%. In summary, the available evidence is currently insufficient to determine the role of this variant in disease. Therefore, it has been classified as a Variant of Uncertain Significance.

Ambry Genetics
Classification: Uncertain significance. Last evaluated: 2023-05-27. Review status: criteria provided, single submitter. Criteria: Ambry Variant Classification Scheme 2023. Collection method: clinical testing. Allele origin: germline.
Comment: The p.Q552E variant (also known as c.1654C>G), located in coding exon 12 of the RECQL gene, results from a C to G substitution at nucleotide position 1654. The glutamine at codon 552 is replaced by glutamic acid, an amino acid with highly similar properties. This amino acid position is conserved. In addition, this alteration is predicted to be tolerated by in silico analysis. Since supporting evidence is limited at this time, the clinical significance of this alteration remains unclear.